The following is an entry in ClinVar:

NM_000612.6(IGF2):c.166G>A (p.Ala56Thr)

Genes: IGF2 (insulin like growth factor 2; minus strand), INS-IGF2 (INS-IGF2 readthrough; minus strand). Cytogenetic location: 11p15.5.
Variant type: single nucleotide variant.
Coding change: c.166G>A on transcript NM_000612.6 (MANE Select); coding-DNA position 166, G replaced by A.
Protein change: p.Ala56Thr; replaces alanine 56 with threonine.
Molecular consequence: missense variant. On other transcripts: non-coding transcript variant (1).
Genome position (GRCh38, 1-based): chr11:2,133,657, C>T on the plus strand (G>A on the coding strand, the complement: IGF2 is on the minus strand). VCF-style: chr11-2133657-C-T. GRCh37 (hg19) VCF-style: chr11-2154887-C-T.
Other names: c.166G>A, p.Ala56Thr (NM_001007139.6, NM_001291861.3, NM_001291862.3); c.334G>A, p.Ala112Thr (NM_001127598.3); short protein forms A112T, A56T.
Identifiers: ClinVar variation 2890973 (VCV002890973.3), dbSNP rs1212009594, ClinGen allele CA379113723.
Genomic context (GRCh38, chr11:2,133,657, plus strand): 5'-CACAGCTGCGGAAACAGCACTCCTCAACGATGCCACGGCTGCGACGGCTCACACGGCTTG[C>T]GGGCCTGCCTGGAAGTCCCACAGCACAGAGAGAGCCGTGTTAGCACCGCACTGACCCCAG-3'
Protein context (NP_000603.1, residues 46-66): GDRGFYFSRP[Ala56Thr]SRVSRRSRGI

ClinVar aggregate classification (germline): Uncertain significance (1 of 4 stars; one submission).

Allele frequency attached by ClinVar (database versions not stated): gnomAD exomes below 0.00001; gnomAD 0.00001; TOPMed 0.00002.
gnomAD v4.1: 6 of 1,612,754 alleles (0.00037%); highest among the groups gnomAD compares: Admixed American, 0.0017%; no homozygotes.

Submission:

Labcorp Genetics (formerly Invitae), Labcorp
Classification: Uncertain significance. Last evaluated: 2023-10-05. Review status: criteria provided, single submitter. Criteria: Invitae Variant Classification Sherloc (09022015). Collection method: clinical testing. Allele origin: germline.
Comment: This sequence change replaces alanine, which is neutral and non-polar, with threonine, which is neutral and polar, at codon 56 of the IGF2 protein (p.Ala56Thr). This variant is not present in population databases (gnomAD no frequency). This variant has not been reported in the literature in individuals affected with IGF2-related conditions. An algorithm developed to predict the effect of missense changes on protein structure and function (PolyPhen-2) suggests that this variant is likely to be tolerated. In summary, the available evidence is currently insufficient to determine the role of this variant in disease. Therefore, it has been classified as a Variant of Uncertain Significance.